The following is an entry in ClinVar:

ClinVar aggregate classification (germline): Benign (1 of 4 stars; one submission).

Allele frequency attached by ClinVar (database versions not stated): gnomAD 0.10480 and 0.10835; 1000 Genomes Project 0.11242; TOPMed 0.11330; 1000 Genomes Project 30x 0.11743.
gnomAD v4.1: 15,784 of 151,482 alleles (10%); highest among the groups gnomAD compares: African/African-American, 25%; 1,508 homozygotes.

Submission:

GeneDx
Classification: Benign. Last evaluated: 2018-06-14. Review status: criteria provided, single submitter. Criteria: GeneDx Variant Classification (06012015). Collection method: clinical testing. Allele origin: germline. Affected: yes.
Comment: This variant is considered likely benign or benign based on one or more of the following criteria: it is a conservative change, it occurs at a poorly conserved position in the protein, it is predicted to be benign by multiple in silico algorithms, and/or has population frequency not consistent with disease.

NM_170707.4(LMNA):c.357-4652C>T

Gene: LMNA (lamin A/C; plus strand). Cytogenetic location: 1q22.
Variant type: single nucleotide variant.
Coding change: c.357-4652C>T on transcript NM_170707.4 (MANE Select); 4652 bases into the intron before coding-DNA position 357, C replaced by T.
Molecular consequence: intron variant.
Genome position (GRCh38, 1-based): chr1:156,125,965, C>T. VCF-style: chr1-156125965-C-T. GRCh37 (hg19) VCF-style: chr1-156095756-C-T.
Other names: c.357-4652C>T (NM_001282626.2, NM_170708.4, NM_005572.4 and 1 more transcripts).
Identifiers: ClinVar variation 672751 (VCV000672751.1), dbSNP rs2485673, ClinGen allele CA10816027.